The following is an entry in ClinVar:

ClinVar aggregate classification (germline): Conflicting classifications of pathogenicity. Review status: criteria provided, conflicting classifications (1 of 4 stars). 3 submissions from 3 submitters: Likely pathogenic (1); Uncertain significance (1). 1 of the submissions does not count toward it. Last evaluated 2021-08-27.

Conditions:
Methylmalonic aciduria, cblB type (MACB). Also called: Vitamin B12-responsive methylmalonic acidemia type cblB; Methylmalonic acidemia cblB type; METHYLMALONIC ACIDURIA, VITAMIN B12-RESPONSIVE, DUE TO DEFECT IN SYNTHESIS OF ADENOSYLCOBALAMIN, cblB TYPE. Identifiers: Orphanet 28, Orphanet 79311, MedGen C1855102, MONDO:0009614, OMIM 251110.

Allele frequency attached by ClinVar (database versions not stated): gnomAD 0.00001; gnomAD exomes 0.00001; ExAC 0.00001; TOPMed 0.00003.
gnomAD v4.1: 9 of 1,608,806 alleles (0.00056%); highest among the groups gnomAD compares: South Asian, 0.0022%; no homozygotes.

Submissions (3):

Labcorp Genetics (formerly Invitae), Labcorp
Classification: Uncertain significance for Methylmalonic aciduria, cblB type. Last evaluated: 2021-08-27. Review status: criteria provided, single submitter. Criteria: Invitae Variant Classification Sherloc (09022015). Collection method: clinical testing. Allele origin: germline.
Comment: This sequence change replaces serine with leucine at codon 126 of the MMAB protein (p.Ser126Leu). The serine residue is highly conserved and there is a large physicochemical difference between serine and leucine. This variant is present in population databases (rs771053425, ExAC 0.003%). This variant has not been reported in the literature in individuals affected with MMAB-related conditions. ClinVar contains an entry for this variant (Variation ID: 432132). Algorithms developed to predict the effect of missense changes on protein structure and function are either unavailable or do not agree on the potential impact of this missense change (SIFT: "Deleterious"; PolyPhen-2: "Probably Damaging"; Align-GVGD: "Class C15"). Experimental studies have shown that this missense change affects MMAB function (PMID: 18251506). In summary, the available evidence is currently insufficient to determine the role of this variant in disease. Therefore, it has been classified as a Variant of Uncertain Significance.

GeneDx
Classification: Likely pathogenic. Last evaluated: 2016-04-12. Review status: criteria provided, single submitter. Criteria: GeneDx Variant Classification (06012015). Collection method: clinical testing. Allele origin: germline. Affected: yes.
Comment: The S126L variant has not been published in association with methylmalonic acidaemia, cblB type, nor has it been reported as a benign variant to our knowledge. Functional analysis of S126L found that it is associated with impaired ATP and cobalamin binding resulting in significantly reduced enzyme activity compared to wild type (Fan et al., 2008). The S126L variant is a non-conservative amino acid substitution, which is likely to impact secondary protein structure as these residues differ in polarity, charge, size and/or other properties. This substitution occurs at a position that is not conserved. In silico analysis predicts this variant is probably damaging to the protein structure/function. Therefore, this variant is likely pathogenic; however, the possibility that it is benign cannot be excluded.

Counsyl
Classification: Uncertain significance for Methylmalonic aciduria, cblB type. Last evaluated: 2018-03-28. Review status: no assertion criteria provided. Collection method: clinical testing. Allele origin: unknown. Not counted in ClinVar's aggregate classification.

Literature cited by the submitters: PubMed 18251506 (cited by Labcorp Genetics (formerly Invitae), Labcorp and Counsyl).

NM_052845.4(MMAB):c.377C>T (p.Ser126Leu)

Gene: MMAB (metabolism of cobalamin associated B; minus strand). Cytogenetic location: 12q24.11.
Variant type: single nucleotide variant.
Coding change: c.377C>T on transcript NM_052845.4 (MANE Select); coding-DNA position 377, C replaced by T.
Protein change: p.Ser126Leu; replaces serine 126 with leucine.
Molecular consequence: missense variant. On other transcripts: non-coding transcript variant (1).
Genome position (GRCh38, 1-based): chr12:109,561,824, G>A on the plus strand (C>T on the coding strand, the complement: MMAB is on the minus strand). VCF-style: chr12-109561824-G-A. GRCh37 (hg19) VCF-style: chr12-109999629-G-A.
Other names: short protein forms S126L.
Identifiers: ClinVar variation 432132 (VCV000432132.6), dbSNP rs771053425, ClinGen allele CA6778929.